The following is an entry in ClinVar:

ClinVar aggregate classification (germline): Likely pathogenic (1 of 4 stars; one submission).

Conditions:
Pyruvate carboxylase deficiency. Also called: Pyruvate Carboxylase Deficiency Disease; LEIGH NECROTIZING ENCEPHALOPATHY DUE TO PYRUVATE CARBOXYLASE DEFICIENCY; LEIGH SYNDROME DUE TO PYRUVATE CARBOXYLASE DEFICIENCY; PC DEFICIENCY; ATAXIA WITH LACTIC ACIDOSIS II. Identifiers: Orphanet 3008, MedGen C0034341, MONDO:0009949, OMIM 266150.

Submission:

Labcorp Genetics (formerly Invitae), Labcorp
Classification: Likely pathogenic for Pyruvate carboxylase deficiency. Last evaluated: 2021-04-06. Review status: criteria provided, single submitter. Criteria: Invitae Variant Classification Sherloc (09022015). Collection method: clinical testing. Allele origin: germline.
Comment: In summary, the currently available evidence indicates that the variant is pathogenic, but additional data are needed to prove that conclusively. Therefore, this variant has been classified as Likely Pathogenic. Algorithms developed to predict the effect of sequence changes on RNA splicing suggest that this variant may disrupt the consensus splice site, but this prediction has not been confirmed by published transcriptional studies. This variant has not been reported in the literature in individuals with PC-related conditions. This variant is not present in population databases (ExAC no frequency). This sequence change affects an acceptor splice site in intron 4 of the PC gene. It is expected to disrupt RNA splicing. Variants that disrupt the donor or acceptor splice site typically lead to a loss of protein function (PMID: 16199547), and loss-of-function variants in PC are known to be pathogenic (PMID: 12112657, 19306334).

Literature cited by the submitters: PubMed 16199547; PubMed 12112657; PubMed 19306334.

NM_001040716.2(PC):c.322-2A>G

Gene: PC (pyruvate carboxylase; minus strand). Cytogenetic location: 11q13.2.
Variant type: single nucleotide variant.
Coding change: c.322-2A>G on transcript NM_001040716.2 (MANE Select); the canonical splice acceptor site of the intron before coding-DNA position 322, A replaced by G.
Molecular consequence: splice acceptor variant.
Genome position (GRCh38, 1-based): chr11:66,871,482, T>C on the plus strand (A>G on the coding strand, the complement: PC is on the minus strand). VCF-style: chr11-66871482-T-C. GRCh37 (hg19) VCF-style: chr11-66638953-T-C.
Other names: c.322-2A>G (NM_000920.4, NM_022172.3).
Identifiers: ClinVar variation 1514804 (VCV001514804.8), dbSNP rs2135940951, ClinGen allele CA381502695.
Genomic context (GRCh38, chr11:66,871,482, plus strand): 5'-AAGTCCGCTCGCTCAGAGAGGAACCCGTAGCCAGGGTGCACTGCATCTACGTTGTTCTCC[T>C]GCAGGTGGGGGTCAGGGAGAGGACGGTACCTTGCAGTCCCTTCCAAGGCCTCGGCCAGCC-3'